The following is an entry in ClinVar:

NM_005560.6(LAMA5):c.9157C>G (p.Gln3053Glu)

Gene: LAMA5 (laminin subunit alpha 5; minus strand). Cytogenetic location: 20q13.33.
Variant type: single nucleotide variant.
Coding change: c.9157C>G on transcript NM_005560.6 (MANE Select); coding-DNA position 9157, C replaced by G.
Protein change: p.Gln3053Glu; replaces glutamine 3053 with glutamic acid.
Molecular consequence: missense variant.
Genome position (GRCh38, 1-based): chr20:62,312,702, G>C on the plus strand (C>G on the coding strand, the complement: LAMA5 is on the minus strand). VCF-style: chr20-62312702-G-C. GRCh37 (hg19) VCF-style: chr20-60887758-G-C.
Other names: p.Gln3053Glu; c.9157C>G (NM_005560.4); short protein forms Q3053E.
Identifiers: ClinVar variation 2051257 (VCV002051257.7), dbSNP rs374561766, ClinGen allele CA9940400.

ClinVar aggregate classification (germline): Uncertain significance. Review status: criteria provided, multiple submitters, no conflicts (2 of 4 stars). 4 submissions from 4 submitters: Uncertain significance (3). 1 of the submissions does not count toward it. Last evaluated 2025-10-17.

Conditions:
Inborn genetic diseases. Identifiers: MedGen C0950123, MeSH D030342.
LAMA5-related disorder. Also called: LAMA5-related condition; LAMA5-Related Disorders.

Allele frequency attached by ClinVar (database versions not stated): gnomAD 0.00025; ExAC 0.00015; ESP Exome Variant Server 0.00015; TOPMed 0.00014.
gnomAD v4.1: 233 of 1,605,228 alleles (0.015%); highest among the groups gnomAD compares: Middle Eastern, 0.2%; no homozygotes.

Submissions (4):

Mayo Clinic Laboratories, Mayo Clinic
Classification: Uncertain significance. Last evaluated: 2025-10-17. Review status: criteria provided, single submitter. Criteria: ACMG Guidelines, 2015. Collection method: clinical testing. Allele origin: germline. Observed: 1 variant allele.
Comment: BP4_moderate

Labcorp Genetics (formerly Invitae), Labcorp
Classification: Uncertain significance. Last evaluated: 2024-10-25. Review status: criteria provided, single submitter. Criteria: Invitae Variant Classification Sherloc (09022015). Collection method: clinical testing. Allele origin: germline.
Comment: This sequence change replaces glutamine, which is neutral and polar, with glutamic acid, which is acidic and polar, at codon 3053 of the LAMA5 protein (p.Gln3053Glu). This variant is present in population databases (rs374561766, gnomAD 0.05%). This variant has not been reported in the literature in individuals affected with LAMA5-related conditions. ClinVar contains an entry for this variant (Variation ID: 2051257). An algorithm developed to predict the effect of missense changes on protein structure and function outputs the following: PolyPhen-2: "Benign". The glutamic acid amino acid residue is found in multiple mammalian species, which suggests that this missense change does not adversely affect protein function. In summary, the available evidence is currently insufficient to determine the role of this variant in disease. Therefore, it has been classified as a Variant of Uncertain Significance.

Ambry Genetics
Classification: Uncertain significance for Inborn genetic diseases. Last evaluated: 2021-08-16. Review status: criteria provided, single submitter. Criteria: Ambry Variant Classification Scheme 2023. Collection method: clinical testing. Allele origin: germline.

PreventionGenetics, part of Exact Sciences
Classification: Uncertain significance for LAMA5-related condition. Last evaluated: 2024-02-07. Review status: no assertion criteria provided. Collection method: clinical testing. Allele origin: germline. Not counted in ClinVar's aggregate classification.
Comment: The LAMA5 c.9157C>G variant is predicted to result in the amino acid substitution p.Gln3053Glu. To our knowledge, this variant has not been reported in the literature. This variant is reported in 0.049% of alleles in individuals of European (Finnish) descent in gnomAD. At this time, the clinical significance of this variant is uncertain due to the absence of conclusive functional and genetic evidence.